The following is an entry in ClinVar:

ClinVar aggregate classification (germline): Uncertain significance (1 of 4 stars; one submission).

Allele frequency attached by ClinVar (database versions not stated): ExAC 0.00002.
gnomAD v4.1: 3 of 1,613,738 alleles (0.00019%); highest among the groups gnomAD compares: Non-Finnish European, 0.00025%; no homozygotes.

Submission:

Labcorp Genetics (formerly Invitae), Labcorp
Classification: Uncertain significance. Last evaluated: 2022-05-10. Review status: criteria provided, single submitter. Criteria: Invitae Variant Classification Sherloc (09022015). Collection method: clinical testing. Allele origin: germline.
Comment: Algorithms developed to predict the effect of missense changes on protein structure and function are either unavailable or do not agree on the potential impact of this missense change (SIFT: "Deleterious"; PolyPhen-2: "Possibly Damaging"; Align-GVGD: "Class C0"). This variant has not been reported in the literature in individuals affected with HMCN1-related conditions. This variant is present in population databases (rs773970080, gnomAD 0.003%). This sequence change replaces phenylalanine, which is neutral and non-polar, with leucine, which is neutral and non-polar, at codon 240 of the HMCN1 protein (p.Phe240Leu). In summary, the available evidence is currently insufficient to determine the role of this variant in disease. Therefore, it has been classified as a Variant of Uncertain Significance.

NM_031935.3(HMCN1):c.720T>G (p.Phe240Leu)

Gene: HMCN1 (hemicentin 1; plus strand). Cytogenetic location: 1q31.1.
Variant type: single nucleotide variant.
Coding change: c.720T>G on transcript NM_031935.3 (MANE Select); coding-DNA position 720, T replaced by G.
Protein change: p.Phe240Leu; replaces phenylalanine 240 with leucine.
Molecular consequence: missense variant.
Genome position (GRCh38, 1-based): chr1:185,909,435, T>G. VCF-style: chr1-185909435-T-G. GRCh37 (hg19) VCF-style: chr1-185878567-T-G.
Other names: short protein forms F240L.
Identifiers: ClinVar variation 1992653 (VCV001992653.4), dbSNP rs773970080, ClinGen allele CA1290926.